The following is an entry in ClinVar:

ClinVar aggregate classification (germline): Uncertain significance (1 of 4 stars; one submission).

Allele frequency attached by ClinVar (database versions not stated): gnomAD exomes below 0.00001; TOPMed below 0.00001; ExAC 0.00001; gnomAD 0.00001.
gnomAD v4.1: 8 of 1,613,918 alleles (0.0005%); highest among the groups gnomAD compares: Non-Finnish European, 0.00059%; no homozygotes.

Submission:

Labcorp Genetics (formerly Invitae), Labcorp
Classification: Uncertain significance. Last evaluated: 2021-08-31. Review status: criteria provided, single submitter. Criteria: Invitae Variant Classification Sherloc (09022015). Collection method: clinical testing. Allele origin: germline.
Comment: This sequence change replaces serine with threonine at codon 2508 of the HSPG2 protein (p.Ser2508Thr). The serine residue is weakly conserved and there is a small physicochemical difference between serine and threonine. This variant is present in population databases (rs745651376, ExAC 0.001%). This variant has not been reported in the literature in individuals affected with HSPG2-related conditions. Algorithms developed to predict the effect of missense changes on protein structure and function (SIFT, PolyPhen-2, Align-GVGD) all suggest that this variant is likely to be tolerated. In summary, the available evidence is currently insufficient to determine the role of this variant in disease. Therefore, it has been classified as a Variant of Uncertain Significance.

NM_005529.7(HSPG2):c.7523G>C (p.Ser2508Thr)

Gene: HSPG2 (heparan sulfate proteoglycan 2; minus strand). Cytogenetic location: 1p36.12.
Variant type: single nucleotide variant.
Coding change: c.7523G>C on transcript NM_005529.7 (MANE Select); coding-DNA position 7523, G replaced by C.
Protein change: p.Ser2508Thr; replaces serine 2508 with threonine.
Molecular consequence: missense variant.
Genome position (GRCh38, 1-based): chr1:21,848,955, C>G on the plus strand (G>C on the coding strand, the complement: HSPG2 is on the minus strand). VCF-style: chr1-21848955-C-G. GRCh37 (hg19) VCF-style: chr1-22175448-C-G.
Other names: c.7526G>C, p.Ser2509Thr (NM_001291860.2); short protein forms S2509T, S2508T.
Identifiers: ClinVar variation 1405680 (VCV001405680.5), dbSNP rs745651376, ClinGen allele CA671145.